The following is an entry in ClinVar:

NM_025114.4(CEP290):c.1756G>A (p.Gly586Arg)

Gene: CEP290 (centrosomal protein 290; minus strand). Cytogenetic location: 12q21.32.
Variant type: single nucleotide variant.
Coding change: c.1756G>A on transcript NM_025114.4 (MANE Select); coding-DNA position 1756, G replaced by A.
Protein change: p.Gly586Arg; replaces glycine 586 with arginine.
Molecular consequence: missense variant.
Genome position (GRCh38, 1-based): chr12:88,117,101, C>T on the plus strand (G>A on the coding strand, the complement: CEP290 is on the minus strand). VCF-style: chr12-88117101-C-T. GRCh37 (hg19) VCF-style: chr12-88510878-C-T.
Other names: c.1756G>A (NM_025114.3); short protein forms G586R.
Identifiers: ClinVar variation 1425409 (VCV001425409.6), dbSNP rs759047003, ClinGen allele CA6712479.
Genomic context (GRCh38, chr12:88,117,101, plus strand): 5'-GTGCTTCACTCATATTTTTGAGGCTCAATAAATCCAATTTTCTTTCACTTATTCTATCTC[C>T]TTGAGAAATGTTTTCAGTTAGGTTCAGGTCCTCAGTGGTTAATCCTATATATAAGAGAAT-3'
Protein context (NP_079390.3, residues 576-596): DLNLTENISQ[Gly586Arg]DRISERKLDL

ClinVar aggregate classification (germline): Uncertain significance. Review status: criteria provided, multiple submitters, no conflicts (2 of 4 stars). 4 submissions from 4 submitters: Uncertain significance (4). Last evaluated 2025-08-04.

Conditions:
CEP290-related disorder. Also called: CEP290-related condition; CEP290-related disorders. Identifiers: MedGen CN239314.
Inborn genetic diseases. Identifiers: MedGen C0950123, MeSH D030342.
Meckel-Gruber syndrome. Also called: DYSENCEPHALIA SPLANCHNOCYSTICA; GRUBER SYNDROME; Dysencephalia splachnocystica. Identifiers: Orphanet 564, MedGen C0265215, MONDO:0018921.
Nephronophthisis. Also called: Juvenile Nephronophthisis. Identifiers: Orphanet 655, MedGen C0687120, MONDO:0019005, HP:0000090.
Joubert syndrome. Also called: Familial aplasia of the vermis; JOUBERT-BOLTSHAUSER SYNDROME. Identifiers: Orphanet 475, MedGen C5979921, MONDO:0018772.

Allele frequency attached by ClinVar (database versions not stated): TOPMed 0.00001; gnomAD exomes 0.00002; ExAC 0.00004.
gnomAD v4.1: 25 of 1,561,798 alleles (0.0016%); highest among the groups gnomAD compares: South Asian, 0.028%; 1 homozygote.

Submissions (4):

Ambry Genetics
Classification: Uncertain significance for Inborn genetic diseases. Last evaluated: 2025-08-04. Review status: criteria provided, single submitter. Criteria: Ambry Variant Classification Scheme 2023. Collection method: clinical testing. Allele origin: germline.

PreventionGenetics, part of Exact Sciences
Classification: Uncertain significance for CEP290-related condition. Last evaluated: 2022-09-16. Review status: criteria provided, single submitter. Criteria: ACMG Guidelines, 2015. Collection method: clinical testing. Allele origin: germline.
Comment: The CEP290 c.1756G>A variant is predicted to result in the amino acid substitution p.Gly586Arg. To our knowledge, this variant has not been reported in the literature. This variant is reported in 0.017% of alleles in individuals of South Asian descent in gnomAD. At this time, the clinical significance of this variant is uncertain due to the absence of conclusive functional and genetic evidence.

Labcorp Genetics (formerly Invitae), Labcorp
Classification: Uncertain significance for Joubert syndrome; Meckel-Gruber syndrome; Nephronophthisis. Last evaluated: 2022-08-24. Review status: criteria provided, single submitter. Criteria: Invitae Variant Classification Sherloc (09022015). Collection method: clinical testing. Allele origin: germline.
Comment: This sequence change replaces glycine, which is neutral and non-polar, with arginine, which is basic and polar, at codon 586 of the CEP290 protein (p.Gly586Arg). This variant is present in population databases (rs759047003, gnomAD 0.02%). This variant has not been reported in the literature in individuals affected with CEP290-related conditions. ClinVar contains an entry for this variant (Variation ID: 1425409). Algorithms developed to predict the effect of missense changes on protein structure and function (SIFT, PolyPhen-2, Align-GVGD) all suggest that this variant is likely to be tolerated. Algorithms developed to predict the effect of sequence changes on RNA splicing suggest that this variant may disrupt the consensus splice site. In summary, the available evidence is currently insufficient to determine the role of this variant in disease. Therefore, it has been classified as a Variant of Uncertain Significance.

Blueprint Genetics
Classification: Uncertain significance. Last evaluated: 2021-09-23. Review status: criteria provided, single submitter. Criteria: ACMG Guidelines, 2015. Collection method: clinical testing. Allele origin: germline.